The following is an entry in ClinVar:

ClinVar aggregate classification (germline): Pathogenic. Review status: reviewed by expert panel (3 of 4 stars). 2 submissions from 2 submitters: Pathogenic (1). 1 of the submissions does not count toward it. Last evaluated 2017-12-15.

Conditions:
Breast-ovarian cancer, familial, susceptibility to, 1 (BROVCA1). Also called: OVARIAN CANCER, SUSCEPTIBILITY TO; BRCA1 Hereditary Breast and Ovarian Cancer. Identifiers: Orphanet 145, MedGen C2676676, MONDO:0011450, OMIM 604370. Disease mechanism: loss of function.
Familial cancer of breast. Also called: Hereditary breast cancer; hereditary breast carcinoma; BREAST CANCER, FAMILIAL. Identifiers: Orphanet 227535, MedGen C0346153, MONDO:0016419, OMIM 114480. Disease mechanism: loss of function.

Submissions (2):

Evidence-based Network for the Interpretation of Germline Mutant Alleles (ENIGMA)
Classification: Pathogenic for Breast-ovarian cancer, familial, susceptibility to, 1. Last evaluated: 2017-12-15. Review status: reviewed by expert panel. Criteria: ENIGMA BRCA1/2 Classification Criteria (2017-06-29). Collection method: curation. Allele origin: germline. Study: ENIGMA.
Comment: Variant allele predicted to encode a truncated non-functional protein.

ClinVar Staff, National Center for Biotechnology Information (NCBI)
No classification provided. Condition: Familial cancer of breast. Review status: no classification provided. Collection method: literature only. Allele origin: germline. Affected: yes. Not counted in ClinVar's aggregate classification.

Literature cited by the submitters: PubMed 21120943 (cited by ClinVar Staff, National Center for Biotechnology Information (NCBI)).

NM_007294.4(BRCA1):c.2308del (p.Ser770fs)

Gene: BRCA1 (BRCA1 DNA repair associated; minus strand). Cytogenetic location: 17q21.31.
Variant type: Deletion.
Coding change: c.2308del on transcript NM_007294.4 (MANE Select); coding-DNA position 2308, one base deleted (T; older notation c.2308delT).
Protein change: p.Ser770fs; shifts the reading frame from serine 770.
Molecular consequence: frameshift variant. On other transcripts: intron variant (137).
Genome position (GRCh38, 1-based): chr17:43,093,223, A deleted on the plus strand (T on the coding strand, the reverse complement: BRCA1 is on the minus strand); the first of 3 consecutive A bases (chr17:43,093,223-43,093,225); deleting any one gives the same sequence. VCF-style (leftmost placement, unchanged base first): chr17-43093222-GA-G. GRCh37 (hg19) VCF-style: chr17-41245239-GA-G.
Other names: c.2308delT (NM_007294.3); c.2095del, p.Ser699fs (NM_001407571.1, NM_001407853.1, NM_001407894.1 and 9 more transcripts); c.2308del, p.Ser770fs (NM_001407581.1, NM_001407582.1, NM_001407583.1 and 30 more transcripts); c.2305del, p.Ser769fs (NM_001407587.1, NM_001407590.1, NM_001407591.1 and 22 more transcripts); c.2299del, p.Ser767fs (NM_001407646.1, NM_001407647.1); c.2185del, p.Ser729fs (NM_001407648.1, NM_001407664.1, NM_001407665.1 and 19 more transcripts); c.2182del, p.Ser728fs (NM_001407649.1, NM_001407670.1, NM_001407671.1 and 11 more transcripts); c.2230del, p.Ser744fs (NM_001407653.1, NM_001407654.1, NM_001407655.1 and 4 more transcripts); and 42 more; short protein forms S770fs, S723fs, S658fs, S681fs, S682fs, S743fs, S744fs, S767fs.
Identifiers: ClinVar variation 54526 (VCV000054526.3), dbSNP rs397508956, ClinGen allele CA001535.
Genomic context (GRCh38, chr17:43,093,222, plus strand): 5'-GTGCTAACTTCCAGTAACGAGATACTTTCCTGAGTGCCATAATCAGTACCAGGTACCAAT[GA>G]AATACTGCTACTCTCTACAGATCTTTCAGTTTGCAAAACCCTTTCTCCACTTAACATGAG-3'